The following is an entry in ClinVar:

NM_017849.4(TMEM127):c.544G>A (p.Gly182Arg)

Gene: TMEM127 (transmembrane protein 127; minus strand). Cytogenetic location: 2q11.2.
Variant type: single nucleotide variant.
Coding change: c.544G>A on transcript NM_017849.4 (MANE Select); coding-DNA position 544, G replaced by A.
Protein change: p.Gly182Arg; replaces glycine 182 with arginine.
Molecular consequence: missense variant.
Genome position (GRCh38, 1-based): chr2:96,253,981, C>T on the plus strand (G>A on the coding strand, the complement: TMEM127 is on the minus strand). VCF-style: chr2-96253981-C-T. GRCh37 (hg19) VCF-style: chr2-96919719-C-T.
Other names: c.544G>A, p.Gly182Arg (NM_001193304.3); c.292G>A, p.Gly98Arg (NM_001407282.1, NM_001407283.1); short protein forms G182R, G98R.
Identifiers: ClinVar variation 3227084 (VCV003227084.1), dbSNP rs2104284280, ClinGen allele CA347652415.

ClinVar aggregate classification (germline): Uncertain significance (1 of 4 stars; one submission).

Conditions:
Hereditary cancer-predisposing syndrome. Also called: Neoplastic Syndromes, Hereditary; Tumor predisposition; Hereditary neoplastic syndrome; Hereditary Cancer Syndrome. Identifiers: Orphanet 140162, MedGen C0027672, MeSH D009386, MONDO:0015356.

Submission:

Ambry Genetics
Classification: Uncertain significance for Hereditary cancer-predisposing syndrome. Last evaluated: 2023-11-18. Review status: criteria provided, single submitter. Criteria: Ambry Variant Classification Scheme 2023. Collection method: clinical testing. Allele origin: germline.
Comment: The p.G182R variant (also known as c.544G>A), located in coding exon 3 of the TMEM127 gene, results from a G to A substitution at nucleotide position 544. The glycine at codon 182 is replaced by arginine, an amino acid with dissimilar properties. This amino acid position is conserved. In addition, this alteration is predicted to be deleterious by in silico analysis. Since supporting evidence is limited at this time, the clinical significance of this alteration remains unclear.